The following is an entry in ClinVar:

ClinVar aggregate classification (germline): Pathogenic. Review status: criteria provided, multiple submitters, no conflicts (2 of 4 stars). 2 submissions from 2 submitters: Pathogenic (2). Last evaluated 2024-08-22.

Conditions:
Hereditary nonpolyposis colorectal neoplasms. Identifiers: MedGen C0009405, MeSH D003123.
Hereditary cancer-predisposing syndrome. Also called: Hereditary Cancer Syndrome; Tumor predisposition; Hereditary neoplastic syndrome; Neoplastic Syndromes, Hereditary. Identifiers: Orphanet 140162, MedGen C0027672, MeSH D009386, MONDO:0015356.

Submissions (2):

Ambry Genetics
Classification: Pathogenic for Hereditary cancer-predisposing syndrome. Last evaluated: 2024-08-22. Review status: criteria provided, single submitter. Criteria: Ambry Variant Classification Scheme 2023. Collection method: clinical testing. Allele origin: germline.
Comment: The c.264_265delTG pathogenic mutation, located in coding exon 2 of the MSH6 gene, results from a deletion of two nucleotides at nucleotide positions 264 to 265, causing a translational frameshift with a predicted alternate stop codon (p.C88*). This variant is considered to be rare based on population cohorts in the Genome Aggregation Database (gnomAD). This alteration is expected to result in loss of function by premature protein truncation or nonsense-mediated mRNA decay. As such, this alteration is interpreted as a disease-causing mutation.

Labcorp Genetics (formerly Invitae), Labcorp
Classification: Pathogenic for Hereditary nonpolyposis colorectal neoplasms. Last evaluated: 2024-03-24. Review status: criteria provided, single submitter. Criteria: Invitae Variant Classification Sherloc (09022015). Collection method: clinical testing. Allele origin: germline.
Comment: This sequence change creates a premature translational stop signal (p.Cys88*) in the MSH6 gene. It is expected to result in an absent or disrupted protein product. Loss-of-function variants in MSH6 are known to be pathogenic (PMID: 18269114, 24362816). This variant is not present in population databases (gnomAD no frequency). This variant has not been reported in the literature in individuals affected with MSH6-related conditions. For these reasons, this variant has been classified as Pathogenic.

Literature cited by the submitters: PubMed 18269114 (cited by Labcorp Genetics (formerly Invitae), Labcorp); PubMed 24362816 (cited by Labcorp Genetics (formerly Invitae), Labcorp).

NM_000179.3(MSH6):c.264_265del (p.Cys88_Asp89delinsTer)

Gene: MSH6 (mutS homolog 6; plus strand). Cytogenetic location: 2p16.3.
Variant type: Microsatellite.
Coding change: c.264_265del on transcript NM_000179.3 (MANE Select); coding-DNA positions 264 to 265, 2 bases deleted (TG; older notation c.264_265delTG).
Protein change: p.Cys88_Asp89delinsTer.
Molecular consequence: nonsense. On other transcripts: frameshift variant (2), 5 prime UTR variant (21), non-coding transcript variant (5), intron variant (5).
Genome position (GRCh38, 1-based): chr2:47,790,930-47,790,931, TG deleted; deleting any 2 consecutive bases within chr2:47,790,928-47,790,931 gives the same sequence; the c. name uses the placement nearest the transcript's 3' end. VCF-style (leftmost placement, unchanged base first): chr2-47790927-TTG-T. GRCh37 (hg19) VCF-style: chr2-48018066-TTG-T.
Other names: c.264_265delTG (NM_000179.2); c.262_263TG[1], p.Cys88Terfs (NM_000179.2); c.-475TG[1] (NM_001281493.2, NM_001406811.1, NM_001406823.1 and 1 more transcripts); c.-641TG[1] (NM_001281494.2); c.360_361del, p.Cys120_Asp121delinsTer (NM_001406795.1, NM_001406802.1); c.264_265del, p.Cys88_Asp89delinsTer (NM_001406796.1, NM_001406798.1, NM_001406800.1 and 6 more transcripts); c.-36TG[1] (NM_001406797.1, NM_001406801.1, NM_001406805.1 and 10 more transcripts); c.186_187del, p.Cys62_Asp63delinsTer (NM_001406804.1); and 8 more.
Identifiers: ClinVar variation 3398889 (VCV003398889.3).